The following is an entry in ClinVar:

NM_001005361.3(DNM2):c.519T>C (p.Ala173=)

Gene: DNM2 (dynamin 2; plus strand). Cytogenetic location: 19p13.2.
Variant type: single nucleotide variant.
Coding change: c.519T>C on transcript NM_001005361.3 (MANE Select); coding-DNA position 519, T replaced by C.
Protein change: p.Ala173=; no amino-acid change (alanine 173 retained).
Molecular consequence: synonymous variant.
Genome position (GRCh38, 1-based): chr19:10,775,836, T>C. VCF-style: chr19-10775836-T-C. GRCh37 (hg19) VCF-style: chr19-10886512-T-C.
Other names: c.519T>C, p.Ala173= (NM_001005360.3, NM_001005362.3, NM_001190716.2 and 1 more transcripts).
Identifiers: ClinVar variation 256869 (VCV000256869.56), dbSNP rs77702567, ClinGen allele CA9200811.

ClinVar aggregate classification (germline): Benign/Likely benign. Review status: criteria provided, multiple submitters, no conflicts (2 of 4 stars). 11 submissions from 10 submitters: Benign (6); Likely benign (4). 1 of the submissions does not count toward it. Last evaluated 2026-04-01.

Conditions:
DNM2-related disorder. Also called: DNM2-related condition.
Inborn genetic diseases. Identifiers: MedGen C0950123, MeSH D030342.
Charcot-Marie-Tooth disease dominant intermediate B (CMTDIB). Also called: CHARCOT-MARIE-TOOTH NEUROPATHY, DOMINANT INTERMEDIATE B; Charcot-Marie-Tooth disease dominant intermediate 1; CMT DI1; Charcot-Marie-Tooth disease dominant intermediate I. Identifiers: Orphanet 100044, Orphanet 228179, MedGen C1847902, MONDO:0011674, OMIM 606482.
Autosomal dominant centronuclear myopathy. Also called: Myopathy, centronuclear, 3; MYOTUBULAR MYOPATHY, AUTOSOMAL DOMINANT. Identifiers: Orphanet 169189, MedGen C4551952, MeSH D020914, MONDO:0008048, OMIM 160150.

Allele frequency attached by ClinVar (database versions not stated): gnomAD exomes 0.00030 and 0.00077; ExAC 0.00085; 1000 Genomes Project 0.00160; 1000 Genomes Project 30x 0.00172; ESP Exome Variant Server 0.00277; gnomAD 0.00325 and 0.00359; TOPMed 0.00338.
gnomAD v4.1: 939 of 1,614,072 alleles (0.058%); highest among the groups gnomAD compares: African/African-American, 1.1%; 4 homozygotes.

Submissions (11):

CeGaT Center for Human Genetics Tuebingen
Classification: Likely benign. Last evaluated: 2026-04-01. Review status: criteria provided, single submitter. Criteria: CeGaT Center For Human Genetics Tuebingen Variant Classification Criteria Version 2. Collection method: clinical testing. Allele origin: germline. Affected: yes. Observed: 3 variant alleles.
Comment: DNM2: BP4, BP7, BS1

Labcorp Genetics (formerly Invitae), Labcorp
Classification: Benign for Charcot-Marie-Tooth disease dominant intermediate B. Last evaluated: 2026-01-12. Review status: criteria provided, single submitter. Criteria: Invitae Variant Classification Sherloc (09022015). Collection method: clinical testing. Allele origin: germline.

Blueprint Genetics
Classification: Likely benign. Last evaluated: 2024-10-22. Review status: criteria provided, single submitter. Criteria: ACMG Guidelines, 2015. Collection method: clinical testing. Allele origin: germline.

ARUP Laboratories, Molecular Genetics and Genomics, ARUP Laboratories
Classification: Benign. Last evaluated: 2020-01-09. Review status: criteria provided, single submitter. Criteria: ARUP Molecular Germline Variant Investigation Process. Collection method: clinical testing. Allele origin: germline.

Ambry Genetics
Classification: Likely benign for Inborn genetic diseases. Last evaluated: 2019-07-11. Review status: criteria provided, single submitter. Criteria: Ambry Variant Classification Scheme 2023. Collection method: clinical testing. Allele origin: germline.

Illumina Laboratory Services, Illumina
Classification: Benign for Autosomal dominant centronuclear myopathy. Last evaluated: 2018-01-12. Review status: criteria provided, single submitter. Criteria: ICSL Variant Classification Criteria 13 December 2019. Collection method: clinical testing. Allele origin: germline.
Comment: This variant was observed in the ICSL laboratory as part of a predisposition screen in an ostensibly healthy population. It had not been previously curated by ICSL or reported in the Human Gene Mutation Database (HGMD: prior to June 1st, 2018), and was therefore a candidate for classification through an automated scoring system. Utilizing variant allele frequency, disease prevalence and penetrance estimates, and inheritance mode, an automated score was calculated to assess if this variant is too frequent to cause the disease. Based on the score and internal cut-off values, a variant classified as benign is not then subjected to further curation. The score for this variant resulted in a classification of benign for this disease.

Illumina Laboratory Services, Illumina
Classification: Benign for Charcot-Marie-Tooth disease dominant intermediate B. Last evaluated: 2018-01-12. Review status: criteria provided, single submitter. Criteria: ICSL Variant Classification Criteria 13 December 2019. Collection method: clinical testing. Allele origin: germline.
Comment: the same text as in the submission from Illumina Laboratory Services, Illumina above.

Athena Diagnostics
Classification: Benign. Last evaluated: 2016-10-31. Review status: criteria provided, single submitter. Criteria: Athena Diagnostics Criteria. Collection method: clinical testing. Allele origin: germline.

GeneDx
Classification: Benign. Last evaluated: 2015-04-16. Review status: criteria provided, single submitter. Criteria: GeneDx Variant Classification (06012015). Collection method: clinical testing. Allele origin: germline. Affected: yes.
Comment: This variant is considered likely benign or benign based on one or more of the following criteria: it is a conservative change, it occurs at a poorly conserved position in the protein, it is predicted to be benign by multiple in silico algorithms, and/or has population frequency not consistent with disease.

Breakthrough Genomics
Classification: Likely benign. Review status: criteria provided, single submitter. Criteria: ACMG Guidelines, 2015. Collection method: not provided. Allele origin: germline. Inheritance: Autosomal recessive inheritance. Affected: yes.

PreventionGenetics, part of Exact Sciences
Classification: Benign for DNM2-related condition. Last evaluated: 2020-08-25. Review status: no assertion criteria provided. Collection method: clinical testing. Allele origin: germline. Not counted in ClinVar's aggregate classification.
Comment: This variant is classified as benign based on ACMG/AMP sequence variant interpretation guidelines (Richards et al. 2015 PMID: 25741868, with internal and published modifications).